The following is an entry in ClinVar:

NM_001130823.3(DNMT1):c.4115+16C>T

Gene: DNMT1 (DNA methyltransferase 1; minus strand). Cytogenetic location: 19p13.2.
Variant type: single nucleotide variant.
Coding change: c.4115+16C>T on transcript NM_001130823.3 (MANE Select); 16 bases into the intron after coding-DNA position 4115, C replaced by T.
Molecular consequence: intron variant.
Genome position (GRCh38, 1-based): chr19:10,138,423, G>A on the plus strand (C>T on the coding strand, the complement: DNMT1 is on the minus strand). VCF-style: chr19-10138423-G-A. GRCh37 (hg19) VCF-style: chr19-10249099-G-A.
Other names: c.3752+16C>T (NM_001318731.2); c.4067+16C>T (NM_001379.4, NM_001318730.2); c.4115+16C>T (LRG_362t1).
Identifiers: ClinVar variation 382234 (VCV000382234.1), dbSNP rs775701177, ClinGen allele CA9187598.

ClinVar aggregate classification (germline): Likely benign (1 of 4 stars; one submission).

gnomAD v4.1: 24 of 1,613,818 alleles (0.0015%); highest among the groups gnomAD compares: South Asian, 0.0088%; no homozygotes.

Submission:

GeneDx
Classification: Likely benign. Last evaluated: 2015-12-30. Review status: criteria provided, single submitter. Criteria: GeneDx Variant Classification (06012015). Collection method: clinical testing. Allele origin: germline. Affected: yes.
Comment: This variant is considered likely benign or benign based on one or more of the following criteria: it is a conservative change, it occurs at a poorly conserved position in the protein, it is predicted to be benign by multiple in silico algorithms, and/or has population frequency not consistent with disease.